The following is an entry in ClinVar:

ClinVar aggregate classification (germline): Uncertain significance. Review status: criteria provided, multiple submitters, no conflicts (2 of 4 stars). 4 submissions from 4 submitters: Uncertain significance (4). Last evaluated 2025-06-30.

Conditions:
Cardiovascular phenotype. Identifiers: MedGen CN230736.
Dilated cardiomyopathy 1DD (CMD1DD). Identifiers: Orphanet 154, MedGen C2750995, MONDO:0013168, OMIM 613172.

Allele frequency attached by ClinVar (database versions not stated): gnomAD exomes below 0.00001; TOPMed below 0.00001.
gnomAD v4.1: 2 of 1,550,758 alleles (0.00013%); highest among the groups gnomAD compares: Non-Finnish European, 0.000087%; no homozygotes.

Submissions (4):

Labcorp Genetics (formerly Invitae), Labcorp
Classification: Uncertain significance for Dilated cardiomyopathy 1DD. Last evaluated: 2025-06-30. Review status: criteria provided, single submitter. Criteria: Invitae Variant Classification Sherloc (09022015). Collection method: clinical testing. Allele origin: germline.
Comment: This sequence change replaces methionine, which is neutral and non-polar, with threonine, which is neutral and polar, at codon 561 of the RBM20 protein (p.Met561Thr). This variant is not present in population databases (gnomAD no frequency). This variant has not been reported in the literature in individuals affected with RBM20-related conditions. ClinVar contains an entry for this variant (Variation ID: 1015062). Invitae Evidence Modeling of protein sequence and biophysical properties (such as structural, functional, and spatial information, amino acid conservation, physicochemical variation, residue mobility, and thermodynamic stability) has been performed for this missense variant. However, the output from this modeling did not meet the statistical confidence thresholds required to predict the impact of this variant on RBM20 protein function. In summary, the available evidence is currently insufficient to determine the role of this variant in disease. Therefore, it has been classified as a Variant of Uncertain Significance.

Molecular Diagnostic Laboratory for Inherited Cardiovascular Disease, Montreal Heart Institute
Classification: Uncertain significance for Cardiovascular phenotype. Last evaluated: 2025-04-09. Review status: criteria provided, single submitter. Criteria: ACMG Guidelines, 2015. Collection method: clinical testing. Allele origin: germline. Affected: yes.

Blueprint Genetics
Classification: Uncertain significance. Last evaluated: 2024-02-27. Review status: criteria provided, single submitter. Criteria: ACMG Guidelines, 2015. Collection method: clinical testing. Allele origin: germline.

Ambry Genetics
Classification: Uncertain significance for Cardiovascular phenotype. Last evaluated: 2023-06-04. Review status: criteria provided, single submitter. Criteria: Ambry Variant Classification Scheme 2023. Collection method: clinical testing. Allele origin: germline.
Comment: The p.M561T variant (also known as c.1682T>C), located in coding exon 7 of the RBM20 gene, results from a T to C substitution at nucleotide position 1682. The methionine at codon 561 is replaced by threonine, an amino acid with similar properties. This amino acid position is conserved. In addition, this alteration is predicted to be deleterious by in silico analysis. Since supporting evidence is limited at this time, the clinical significance of this alteration remains unclear.

NM_001134363.3(RBM20):c.1682T>C (p.Met561Thr)

Gene: RBM20 (RNA binding motif protein 20; plus strand). Cytogenetic location: 10q25.2.
Variant type: single nucleotide variant.
Coding change: c.1682T>C on transcript NM_001134363.3 (MANE Select); coding-DNA position 1682, T replaced by C.
Protein change: p.Met561Thr; replaces methionine 561 with threonine.
Molecular consequence: missense variant.
Genome position (GRCh38, 1-based): chr10:110,799,800, T>C. VCF-style: chr10-110799800-T-C. GRCh37 (hg19) VCF-style: chr10-112559558-T-C.
Other names: c.1682T>C (NM_001134363.1, NM_001134363.2); short protein forms M561T.
Identifiers: ClinVar variation 1015062 (VCV001015062.12), dbSNP rs999297099, ClinGen allele CA213247122.